The following is an entry in ClinVar:

NM_001958.5(EEF1A2):c.1194C>T (p.Asp398=)

Gene: EEF1A2 (eukaryotic translation elongation factor 1 alpha 2; minus strand). Cytogenetic location: 20q13.33.
Variant type: single nucleotide variant.
Coding change: c.1194C>T on transcript NM_001958.5 (MANE Select); coding-DNA position 1194, C replaced by T.
Protein change: p.Asp398=; no amino-acid change (aspartic acid 398 retained).
Molecular consequence: synonymous variant.
Genome position (GRCh38, 1-based): chr20:63,488,988, G>A on the plus strand (C>T on the coding strand, the complement: EEF1A2 is on the minus strand). VCF-style: chr20-63488988-G-A. GRCh37 (hg19) VCF-style: chr20-62120341-G-A.
Identifiers: ClinVar variation 2652538 (VCV002652538.24), dbSNP rs751629350, ClinGen allele CA9958957.

ClinVar aggregate classification (germline): Likely benign (1 of 4 stars; one submission).

Allele frequency attached by ClinVar (database versions not stated): ExAC 0.00001; gnomAD exomes 0.00001.
gnomAD v4.1: 3 of 1,612,674 alleles (0.00019%); highest among the groups gnomAD compares: South Asian, 0.0011%; no homozygotes.

Submission:

CeGaT Center for Human Genetics Tuebingen
Classification: Likely benign. Last evaluated: 2023-10-01. Review status: criteria provided, single submitter. Criteria: CeGaT Center For Human Genetics Tuebingen Variant Classification Criteria Version 2. Collection method: clinical testing. Allele origin: germline. Affected: yes. Observed: 1 variant allele.
Comment: EEF1A2: BP4, BP7